The following is an entry in ClinVar:

ClinVar aggregate classification (germline): Benign/Likely benign. Review status: criteria provided, multiple submitters, no conflicts (2 of 4 stars). 3 submissions from 3 submitters: Benign (1); Likely benign (2). Last evaluated 2025-04-03.

Conditions:
Hereditary cancer-predisposing syndrome. Also called: Neoplastic Syndromes, Hereditary; Hereditary Cancer Syndrome; Hereditary neoplastic syndrome; Tumor predisposition. Identifiers: Orphanet 140162, MedGen C0027672, MeSH D009386, MONDO:0015356.
Hereditary diffuse gastric adenocarcinoma (HDGC). Also called: DIFFUSE GASTRIC AND LOBULAR BREAST CANCER SYNDROME. Identifiers: Orphanet 26106, MedGen C1708349, MONDO:0007648, OMIM 137215.

Allele frequency attached by ClinVar (database versions not stated): TOPMed below 0.00001.

Submissions (3):

Ambry Genetics
Classification: Likely benign for Hereditary cancer-predisposing syndrome. Last evaluated: 2025-04-03. Review status: criteria provided, single submitter. Criteria: Ambry Variant Classification Scheme 2023. Collection method: clinical testing. Allele origin: germline.

Myriad Genetics, Inc.
Classification: Benign for Hereditary diffuse gastric adenocarcinoma. Last evaluated: 2024-09-18. Review status: criteria provided, single submitter. Criteria: Myriad Autosomal Dominant, Autosomal Recessive and X-Linked Classification Criteria (2023). Collection method: clinical testing. Allele origin: unknown.
Comment: This variant is considered benign. This variant is a silent/synonymous amino acid change and it is not expected to impact splicing.

Labcorp Genetics (formerly Invitae), Labcorp
Classification: Likely benign for Hereditary diffuse gastric adenocarcinoma. Last evaluated: 2022-06-13. Review status: criteria provided, single submitter. Criteria: Invitae Variant Classification Sherloc (09022015). Collection method: clinical testing. Allele origin: germline.

NM_004360.5(CDH1):c.1185A>C (p.Thr395=)

Gene: CDH1 (cadherin 1; plus strand). Cytogenetic location: 16q22.1.
Variant type: single nucleotide variant.
Coding change: c.1185A>C on transcript NM_004360.5 (MANE Select); coding-DNA position 1185, A replaced by C.
Protein change: p.Thr395=; no amino-acid change (threonine 395 retained).
Molecular consequence: synonymous variant. On other transcripts: 5 prime UTR variant (2), intron variant (1).
Genome position (GRCh38, 1-based): chr16:68,813,360, A>C. VCF-style: chr16-68813360-A-C. GRCh37 (hg19) VCF-style: chr16-68847263-A-C.
Other names: c.1185A>C (NM_004360.3); c.-431A>C (NM_001317185.2); c.-635A>C (NM_001317186.2); c.1137+1097A>C (NM_001317184.2).
Identifiers: ClinVar variation 1118720 (VCV001118720.11), dbSNP rs1190964498, ClinGen allele CA496392601.